The following is an entry in ClinVar:

NM_000537.4(REN):c.267G>T (p.Glu89Asp)

Gene: REN (renin; minus strand). Cytogenetic location: 1q32.1.
Variant type: single nucleotide variant.
Coding change: c.267G>T on transcript NM_000537.4 (MANE Select); coding-DNA position 267, G replaced by T.
Protein change: p.Glu89Asp; replaces glutamic acid 89 with aspartic acid.
Molecular consequence: missense variant.
Genome position (GRCh38, 1-based): chr1:204,161,398, C>A on the plus strand (G>T on the coding strand, the complement: REN is on the minus strand). VCF-style: chr1-204161398-C-A. GRCh37 (hg19) VCF-style: chr1-204130526-C-A.
Other names: short protein forms E89D.
Identifiers: ClinVar variation 294963 (VCV000294963.13), dbSNP rs886045835, ClinGen allele CA10608796.

ClinVar aggregate classification (germline): Uncertain significance. Review status: criteria provided, multiple submitters, no conflicts (2 of 4 stars). 6 submissions from 5 submitters: Uncertain significance (5). 1 of the submissions does not count toward it. Last evaluated 2024-08-11.

Conditions:
Familial juvenile hyperuricemic nephropathy type 2 (ADTKD4). Also called: EARLY-ONSET HYPERURICEMIA, ANEMIA, AND PROGRESSIVE KIDNEY FAILURE; Autosomal Dominant Tubulointerstitial Kidney Disease – REN. Identifiers: Orphanet 217330, MedGen C2751310, MONDO:0013128, OMIM 613092.
Renal tubular dysgenesis of genetic origin. Also called: PRIMITIVE RENAL TUBULE SYNDROME. Identifiers: Orphanet 97369, MedGen C5681536, MONDO:0009970, OMIM 267430.
REN-related disorder. Also called: REN-related condition.
Inborn genetic diseases. Identifiers: MedGen C0950123, MeSH D030342.
Renal tubular dysgenesis. Also called: Renotubular dysgenesis. Identifiers: Orphanet 3033, MedGen C0266313, MONDO:0017609, HP:0008660.

Allele frequency attached by ClinVar (database versions not stated): gnomAD exomes below 0.00001; gnomAD 0.00001; TOPMed 0.00002.

Submissions (6):

Labcorp Genetics (formerly Invitae), Labcorp
Classification: Uncertain significance. Last evaluated: 2024-08-11. Review status: criteria provided, single submitter. Criteria: Invitae Variant Classification Sherloc (09022015). Collection method: clinical testing. Allele origin: germline.
Comment: This sequence change replaces glutamic acid, which is acidic and polar, with aspartic acid, which is acidic and polar, at codon 89 of the REN protein (p.Glu89Asp). The frequency data for this variant in the population databases is considered unreliable, as metrics indicate poor data quality at this position in the gnomAD database. This variant has not been reported in the literature in individuals affected with REN-related conditions. ClinVar contains an entry for this variant (Variation ID: 294963). Advanced modeling of protein sequence and biophysical properties (such as structural, functional, and spatial information, amino acid conservation, physicochemical variation, residue mobility, and thermodynamic stability) performed at Invitae indicates that this missense variant is not expected to disrupt REN protein function with a negative predictive value of 80%. In summary, the available evidence is currently insufficient to determine the role of this variant in disease. Therefore, it has been classified as a Variant of Uncertain Significance.

Fulgent Genetics
Classification: Uncertain significance for Renal tubular dysgenesis of genetic origin; Familial juvenile hyperuricemic nephropathy type 2. Last evaluated: 2024-04-25. Review status: criteria provided, single submitter. Criteria: ACMG Guidelines, 2015. Collection method: clinical testing. Allele origin: germline.

Ambry Genetics
Classification: Uncertain significance for Inborn genetic diseases. Last evaluated: 2024-01-09. Review status: criteria provided, single submitter. Criteria: Ambry Variant Classification Scheme 2023. Collection method: clinical testing. Allele origin: germline.

Illumina Laboratory Services, Illumina
Classification: Uncertain significance for Familial juvenile hyperuricemic nephropathy type 2. Last evaluated: 2018-01-13. Review status: criteria provided, single submitter. Criteria: ICSL Variant Classification Criteria 13 December 2019. Collection method: clinical testing. Allele origin: germline.

Illumina Laboratory Services, Illumina
Classification: Uncertain significance for Renal tubular dysgenesis of genetic origin. Last evaluated: 2018-01-13. Review status: criteria provided, single submitter. Criteria: ICSL Variant Classification Criteria 13 December 2019. Collection method: clinical testing. Allele origin: germline.

PreventionGenetics, part of Exact Sciences
Classification: Uncertain significance for REN-related condition. Last evaluated: 2024-02-28. Review status: no assertion criteria provided. Collection method: clinical testing. Allele origin: germline. Not counted in ClinVar's aggregate classification.
Comment: The REN c.267G>T variant is predicted to result in the amino acid substitution p.Glu89Asp. To our knowledge, this variant has not been reported in the literature. This variant is reported in 0.0058% of alleles in individuals of East Asian descent in gnomAD. At this time, the clinical significance of this variant is uncertain due to the absence of conclusive functional and genetic evidence.